The following is an entry in ClinVar:

NM_000834.5(GRIN2B):c.125T>C (p.Val42Ala)

Gene: GRIN2B (glutamate ionotropic receptor NMDA type subunit 2B; minus strand). Cytogenetic location: 12p13.1.
Variant type: single nucleotide variant.
Coding change: c.125T>C on transcript NM_000834.5 (MANE Select); coding-DNA position 125, T replaced by C.
Protein change: p.Val42Ala; replaces valine 42 with alanine.
Molecular consequence: missense variant.
Genome position (GRCh38, 1-based): chr12:13,866,084, A>G on the plus strand (T>C on the coding strand, the complement: GRIN2B is on the minus strand). VCF-style: chr12-13866084-A-G. GRCh37 (hg19) VCF-style: chr12-14019018-A-G.
Other names: p.V42A:GTG>GCG; short protein forms V42A.
Identifiers: ClinVar variation 205727 (VCV000205727.2), dbSNP rs796052580, ClinGen allele CA315081.

ClinVar aggregate classification (germline): Uncertain significance (1 of 4 stars; one submission).

Allele frequency attached by ClinVar (database versions not stated): TOPMed 0.00001 and below 0.00001; gnomAD 0.00001.
gnomAD v4.1: 1 of 1,613,950 alleles (0.000062%); highest among the groups gnomAD compares: Non-Finnish European, 0.000085%; no homozygotes.

Submission:

GeneDx
Classification: Uncertain significance. Last evaluated: 2015-01-15. Review status: criteria provided, single submitter. Criteria: GeneDx Variant Classification (06012015). Collection method: clinical testing. Allele origin: germline. Affected: yes.
Comment: p.Val42Ala (GTG>GCG): c.125 T>C in exon 2 of the GRIN2B gene (NM_000834.3). The V42A variant has not been published as a mutation, nor has it been reported as a benign polymorphism to our knowledge. It was not observed in approximately 6,500 individuals of European and African American ancestry in the NHLBI Exome Sequencing Project, indicating it is not a common benign variant in these populations. This substitution occurs at a position that is conserved across species. However, missense mutations in nearby residues have not been reported in association with GRIN2B-related disorders. Additionally, the V42A variant is a conservative amino acid substitution, which is not likely to impact secondary protein structure as these residues share similar properties. In silico analysis is inconsistent in its predictions as to whether or not the variant is damaging to the protein structure/function. Therefore, based on the currently available information, it is unclear whether this variant is a pathogenic mutation or a rare benign variant. The variant is found in STAT-EPIV2-1-REST panel(s).